The following is an entry in ClinVar:

ClinVar aggregate classification (germline): Conflicting classifications of pathogenicity. Review status: criteria provided, conflicting classifications (1 of 4 stars). 4 submissions from 4 submitters: Uncertain significance (1); Likely benign (2). 1 of the submissions does not count toward it. Last evaluated 2025-12-17.

Conditions:
EGFR-related disorder. Also called: EGFR-related condition.
Hereditary cancer-predisposing syndrome. Also called: Neoplastic Syndromes, Hereditary; Tumor predisposition; Hereditary Cancer Syndrome; Hereditary neoplastic syndrome. Identifiers: Orphanet 140162, MedGen C0027672, MeSH D009386, MONDO:0015356.
EGFR-related lung cancer (EGFR). Identifiers: MedGen CN130014.

Allele frequency attached by ClinVar (database versions not stated): gnomAD 0.00002; gnomAD exomes 0.00004 and 0.00005; TOPMed 0.00004; ExAC 0.00006; ESP Exome Variant Server 0.00008.
gnomAD v4.1: 64 of 1,614,082 alleles (0.004%); highest among the groups gnomAD compares: Non-Finnish European, 0.0051%; no homozygotes.

Submissions (4):

Labcorp Genetics (formerly Invitae), Labcorp
Classification: Uncertain significance for EGFR-related lung cancer. Last evaluated: 2025-12-17. Review status: criteria provided, single submitter. Criteria: Invitae Variant Classification Sherloc (09022015). Collection method: clinical testing. Allele origin: germline.
Comment: This sequence change replaces alanine, which is neutral and non-polar, with threonine, which is neutral and polar, at codon 127 of the EGFR protein (p.Ala127Thr). This variant is present in population databases (rs377444977, gnomAD 0.01%). This variant has not been reported in the literature in individuals affected with EGFR-related conditions. ClinVar contains an entry for this variant (Variation ID: 856878). Invitae Evidence Modeling of protein sequence and biophysical properties (such as structural, functional, and spatial information, amino acid conservation, physicochemical variation, residue mobility, and thermodynamic stability) indicates that this missense variant is not expected to disrupt EGFR protein function with a negative predictive value of 80%. In summary, the available evidence is currently insufficient to determine the role of this variant in disease. Therefore, it has been classified as a Variant of Uncertain Significance.

Ambry Genetics
Classification: Likely benign for Hereditary cancer-predisposing syndrome. Last evaluated: 2024-12-16. Review status: criteria provided, single submitter. Criteria: Ambry Variant Classification Scheme 2023. Collection method: clinical testing. Allele origin: germline.

Blueprint Genetics
Classification: Likely benign. Last evaluated: 2024-11-15. Review status: criteria provided, single submitter. Criteria: ACMG Guidelines, 2015. Collection method: clinical testing. Allele origin: germline.

PreventionGenetics, part of Exact Sciences
Classification: Uncertain significance for EGFR-related condition. Last evaluated: 2024-03-08. Review status: no assertion criteria provided. Collection method: clinical testing. Allele origin: germline. Not counted in ClinVar's aggregate classification.
Comment: The EGFR c.379G>A variant is predicted to result in the amino acid substitution p.Ala127Thr. To our knowledge, this variant has not been reported in the literature. This variant is reported in 0.0097% of alleles in individuals of European (Non-Finnish) descent in gnomAD. This variant is interpreted as a variant of uncertain significance in ClinVar. At this time, the clinical significance of this variant is uncertain due to the absence of conclusive functional and genetic evidence.

NM_005228.5(EGFR):c.379G>A (p.Ala127Thr)

Gene: EGFR (epidermal growth factor receptor; plus strand). Cytogenetic location: 7p11.2.
Variant type: single nucleotide variant.
Coding change: c.379G>A on transcript NM_005228.5 (MANE Select); coding-DNA position 379, G replaced by A.
Protein change: p.Ala127Thr; replaces alanine 127 with threonine.
Molecular consequence: missense variant. On other transcripts: intron variant (1).
Genome position (GRCh38, 1-based): chr7:55,143,443, G>A. VCF-style: chr7-55143443-G-A. GRCh37 (hg19) VCF-style: chr7-55211136-G-A.
Other names: c.379G>A, p.Ala127Thr (NM_001346897.2, NM_001346898.2, NM_001346899.2 and 3 more transcripts); c.220G>A, p.Ala74Thr (NM_001346900.2); c.89-12387G>A (NM_001346941.2); c.379G>A (NM_005228.4); short protein forms A74T, A127T.
Identifiers: ClinVar variation 856878 (VCV000856878.10), dbSNP rs377444977, ClinGen allele CA4265187.